The following is an entry in ClinVar:

ClinVar aggregate classification (germline): Uncertain significance (1 of 4 stars; one submission).

Conditions:
Leber congenital amaurosis 8 (LCA8). Identifiers: Orphanet 65, MedGen C3151202, MONDO:0013453, OMIM 613835.
Retinitis pigmentosa 12 (RP12). Also called: RP WITH OR WITHOUT PRESERVED PARAARTERIOLE RETINAL PIGMENT EPITHELIUM; RETINITIS PIGMENTOSA WITH OR WITHOUT PARAARTERIOLAR PRESERVATION OF RETINAL PIGMENT EPITHELIUM; RP WITH OR WITHOUT PPRPE. Identifiers: Orphanet 791, MedGen C1838647, MONDO:0010818, OMIM 600105.

Submission:

Labcorp Genetics (formerly Invitae), Labcorp
Classification: Uncertain significance for Leber congenital amaurosis 8; Retinitis pigmentosa 12. Last evaluated: 2021-05-22. Review status: criteria provided, single submitter. Criteria: Invitae Variant Classification Sherloc (09022015). Collection method: clinical testing. Allele origin: germline.
Comment: In summary, the available evidence is currently insufficient to determine the role of this variant in disease. Therefore, it has been classified as a Variant of Uncertain Significance. Algorithms developed to predict the effect of missense changes on protein structure and function (SIFT, PolyPhen-2, Align-GVGD) all suggest that this variant is likely to be disruptive, but these predictions have not been confirmed by published functional studies and their clinical significance is uncertain. This variant has not been reported in the literature in individuals with CRB1-related conditions. This variant is not present in population databases (ExAC no frequency). This sequence change replaces valine with glycine at codon 1258 of the CRB1 protein (p.Val1258Gly). The valine residue is highly conserved and there is a moderate physicochemical difference between valine and glycine.

NM_201253.3(CRB1):c.3773T>G (p.Val1258Gly)

Gene: CRB1 (crumbs cell polarity complex component 1; plus strand). Cytogenetic location: 1q31.3.
Variant type: single nucleotide variant.
Coding change: c.3773T>G on transcript NM_201253.3 (MANE Select); coding-DNA position 3773, T replaced by G.
Protein change: p.Val1258Gly; replaces valine 1258 with glycine.
Molecular consequence: missense variant. On other transcripts: non-coding transcript variant (2).
Genome position (GRCh38, 1-based): chr1:197,438,570, T>G. VCF-style: chr1-197438570-T-G. GRCh37 (hg19) VCF-style: chr1-197407700-T-G.
Other names: c.3437T>G, p.Val1146Gly (NM_001193640.2); c.3701T>G, p.Val1234Gly (NM_001257965.2); c.2165T>G, p.Val722Gly (NM_001257966.2); short protein forms V1146G, V1258G, V1234G, V722G.
Identifiers: ClinVar variation 1418298 (VCV001418298.8), dbSNP rs2125506192, ClinGen allele CA344050781.
Genomic context (GRCh38, chr1:197,438,570, plus strand): 5'-AGATGAACAGCTGTGGCTCTTGCTTTTATCTCTCTAGACAGAGCAGATTACCCTCAACAG[T>G]CTGTGGGAATGAGAAGACAAATCTCACTTGCTACAATGGAGGCAACTGCACAGAGTTCCA-3'
Protein context (NP_957705.1, residues 1248-1268): FCRQSRLPST[Val1258Gly]CGNEKTNLTC